The following is an entry in ClinVar:

NM_018896.5(CACNA1G):c.155C>G (p.Pro52Arg)

Genes: CACNA1G (calcium voltage-gated channel subunit alpha1 G; plus strand), CACNA1G-AS1 (CACNA1G antisense RNA 1; minus strand). Cytogenetic location: 17q21.33.
Variant type: single nucleotide variant.
Coding change: c.155C>G on transcript NM_018896.5 (MANE Select); coding-DNA position 155, C replaced by G.
Protein change: p.Pro52Arg; replaces proline 52 with arginine.
Molecular consequence: missense variant. On other transcripts: non-coding transcript variant (5).
Genome position (GRCh38, 1-based): chr17:50,561,614, C>G. VCF-style: chr17-50561614-C-G. GRCh37 (hg19) VCF-style: chr17-48638975-C-G.
Other names: c.155C>G, p.Pro52Arg (NM_001256324.2, NM_001256325.2, NM_001256326.2 and 24 more transcripts); short protein forms P52R.
Identifiers: ClinVar variation 3253502 (VCV003253502.1), dbSNP rs1303318542.
Genomic context (GRCh38, chr17:50,561,614, plus strand): 5'-CGGGGCCGGGGTCAGCAGAAAAGGACCCGGGCAGCGCGGACTCCGAGGCGGAGGGGCTGC[C>G]GTACCCGGCGCTGGCCCCGGTGGTTTTCTTCTACTTGAGCCAGGACAGCCGCCCGCGGAG-3'
Protein context (NP_061496.2, residues 42-62): GSADSEAEGL[Pro52Arg]YPALAPVVFF

ClinVar aggregate classification (germline): Uncertain significance (1 of 4 stars; one submission).

Submission:

GeneDx
Classification: Uncertain significance. Last evaluated: 2024-05-17. Review status: criteria provided, single submitter. Criteria: GeneDx Variant Classification Process June 2021. Collection method: clinical testing. Allele origin: germline. Affected: yes.
Comment: Not observed at significant frequency in large population cohorts (gnomAD); In silico analysis supports that this missense variant has a deleterious effect on protein structure/function; Has not been previously published as pathogenic or benign to our knowledge; This variant is associated with the following publications: (PMID: 27535533)